The following is an entry in ClinVar:

NM_006845.4(KIF2C):c.1930C>T (p.Leu644=)

Gene: KIF2C (kinesin family member 2C; plus strand). Cytogenetic location: 1p34.1.
Variant type: single nucleotide variant.
Coding change: c.1930C>T on transcript NM_006845.4 (MANE Select); coding-DNA position 1930, C replaced by T.
Protein change: p.Leu644=; no amino-acid change (leucine 644 retained).
Molecular consequence: synonymous variant.
Genome position (GRCh38, 1-based): chr1:44,762,617, C>T. VCF-style: chr1-44762617-C-T. GRCh37 (hg19) VCF-style: chr1-45228289-C-T.
Other names: c.1807C>T, p.Leu603= (NM_001297655.2); c.1768C>T, p.Leu590= (NM_001297656.2); c.1591C>T, p.Leu531= (NM_001297657.2).
Identifiers: ClinVar variation 2638776 (VCV002638776.24), dbSNP rs147741348, ClinGen allele CA820977.
Genomic context (GRCh38, chr1:44,762,617, plus strand): 5'-GAGGAGGAACTGTCTTCCCAGATGTCCAGCTTTAACGAAGCCATGACTCAGATCAGGGAG[C>T]TGGAGGAGAAGGCTATGGAAGAGCTCAAGGAGATCATACAGGTAGGCAGCTGGCCCTGGA-3'
Protein context (NP_006836.2, residues 634-654): FNEAMTQIRE[Leu644=]EEKAMEELKE

ClinVar aggregate classification (germline): Likely benign (1 of 4 stars; one submission).

Allele frequency attached by ClinVar (database versions not stated): gnomAD exomes 0.00006; ExAC 0.00017; 1000 Genomes Project 30x 0.00031; 1000 Genomes Project 0.00040; gnomAD 0.00062; TOPMed 0.00062; ESP Exome Variant Server 0.00077.
gnomAD v4.1: 186 of 1,614,112 alleles (0.012%); highest among the groups gnomAD compares: African/African-American, 0.21%; no homozygotes.

Submission:

CeGaT Center for Human Genetics Tuebingen
Classification: Likely benign. Last evaluated: 2022-05-01. Review status: criteria provided, single submitter. Criteria: CeGaT Center For Human Genetics Tuebingen Variant Classification Criteria Version 2. Collection method: clinical testing. Allele origin: germline. Affected: yes. Observed: 1 variant allele.
Comment: KIF2C: BP4, BP7